The following is an entry in ClinVar:

ClinVar aggregate classification (germline): Uncertain significance (1 of 4 stars; one submission).

Conditions:
Pierpont syndrome (PRPTS). Identifiers: Orphanet 487825, MedGen C1865644, MONDO:0011213, OMIM 602342.

Submission:

Labcorp Genetics (formerly Invitae), Labcorp
Classification: Uncertain significance for Pierpont syndrome. Last evaluated: 2021-10-09. Review status: criteria provided, single submitter. Criteria: Invitae Variant Classification Sherloc (09022015). Collection method: clinical testing. Allele origin: germline.
Comment: This sequence change replaces valine with alanine at codon 384 of the TBL1XR1 protein (p.Val384Ala). The valine residue is highly conserved and there is a small physicochemical difference between valine and alanine. This variant is not present in population databases (ExAC no frequency). This variant has not been reported in the literature in individuals affected with TBL1XR1-related conditions. Algorithms developed to predict the effect of missense changes on protein structure and function are either unavailable or do not agree on the potential impact of this missense change (SIFT: "Tolerated"; PolyPhen-2: "Possibly Damaging"; Align-GVGD: "Class C0"). In summary, the available evidence is currently insufficient to determine the role of this variant in disease. Therefore, it has been classified as a Variant of Uncertain Significance.

NM_024665.7(TBL1XR1):c.1151T>C (p.Val384Ala)

Gene: TBL1XR1 (TBL1X/Y related 1; minus strand). Cytogenetic location: 3q26.32.
Variant type: single nucleotide variant.
Coding change: c.1151T>C on transcript NM_024665.7 (MANE Select); coding-DNA position 1151, T replaced by C.
Protein change: p.Val384Ala; replaces valine 384 with alanine.
Molecular consequence: missense variant.
Genome position (GRCh38, 1-based): chr3:177,034,297, A>G on the plus strand (T>C on the coding strand, the complement: TBL1XR1 is on the minus strand). VCF-style: chr3-177034297-A-G. GRCh37 (hg19) VCF-style: chr3-176752085-A-G.
Other names: c.1151T>C, p.Val384Ala (NM_001321193.3, NM_001321194.3, NM_001374327.1 and 2 more transcripts); c.890T>C, p.Val297Ala (NM_001321195.3, NM_001374330.1); short protein forms V384A, V297A.
Identifiers: ClinVar variation 1468887 (VCV001468887.6), dbSNP rs2108414521, ClinGen allele CA355554793.